The following is an entry in ClinVar:

ClinVar aggregate classification (germline): Conflicting classifications of pathogenicity. Review status: criteria provided, conflicting classifications (1 of 4 stars). 2 submissions from 2 submitters: Uncertain significance (1); Likely benign (1). Last evaluated 2025-03-31.

Conditions:
TCF20-related disorder. Also called: TCF20-related condition.

Allele frequency attached by ClinVar (database versions not stated): TOPMed 0.00001.
gnomAD v4.1: 22 of 1,613,978 alleles (0.0014%); highest among the groups gnomAD compares: South Asian, 0.0044%; no homozygotes.

Submissions (2):

Labcorp Genetics (formerly Invitae), Labcorp
Classification: Likely benign. Last evaluated: 2025-03-31. Review status: criteria provided, single submitter. Criteria: Invitae Variant Classification Sherloc (09022015). Collection method: clinical testing. Allele origin: germline.

PreventionGenetics, part of Exact Sciences
Classification: Uncertain significance for TCF20-related condition. Last evaluated: 2022-08-24. Review status: criteria provided, single submitter. Criteria: ACMG Guidelines, 2015. Collection method: clinical testing. Allele origin: germline.
Comment: The TCF20 c.3578G>A variant is predicted to result in the amino acid substitution p.Arg1193Gln. To our knowledge, this variant has not been reported in the literature. This variant is reported in 0.00088% of alleles in individuals of European (Non-Finnish) descent in gnomAD. At this time, the clinical significance of this variant is uncertain due to the absence of conclusive functional and genetic evidence.

NM_001378418.1(TCF20):c.3578G>A (p.Arg1193Gln)

Gene: TCF20 (transcription factor 20; minus strand). Cytogenetic location: 22q13.2.
Variant type: single nucleotide variant.
Coding change: c.3578G>A on transcript NM_001378418.1 (MANE Select); coding-DNA position 3578, G replaced by A.
Protein change: p.Arg1193Gln; replaces arginine 1193 with glutamine.
Molecular consequence: missense variant.
Genome position (GRCh38, 1-based): chr22:42,211,728, C>T on the plus strand (G>A on the coding strand, the complement: TCF20 is on the minus strand). VCF-style: chr22-42211728-C-T. GRCh37 (hg19) VCF-style: chr22-42607734-C-T.
Other names: c.3578G>A, p.Arg1193Gln (NM_005650.4, NM_181492.3); c.3578G>A (NM_005650.3); short protein forms R1193Q.
Identifiers: ClinVar variation 2139068 (VCV002139068.5), dbSNP rs1262143079, ClinGen allele CA411786177.